The following is an entry in ClinVar:

ClinVar aggregate classification (germline): Uncertain significance (1 of 4 stars; one submission).

gnomAD v4.1: 13 of 1,614,088 alleles (0.00081%); highest among the groups gnomAD compares: Non-Finnish European, 0.0011%; no homozygotes.

Submission:

Labcorp Genetics (formerly Invitae), Labcorp
Classification: Uncertain significance. Last evaluated: 2025-04-23. Review status: criteria provided, single submitter. Criteria: Invitae Variant Classification Sherloc (09022015). Collection method: clinical testing. Allele origin: germline.
Comment: This sequence change creates a premature translational stop signal (p.Tyr937*) in the ARHGEF10 gene. It is expected to result in an absent or disrupted protein product. However, the current clinical and genetic evidence is not sufficient to establish whether loss-of-function variants in ARHGEF10 cause disease. This variant is present in population databases (rs142010865, gnomAD 0.002%). This variant has not been reported in the literature in individuals affected with ARHGEF10-related conditions. Algorithms developed to predict the effect of sequence changes on RNA splicing suggest that this variant may disrupt the consensus splice site. In summary, the available evidence is currently insufficient to determine the role of this variant in disease. Therefore, it has been classified as a Variant of Uncertain Significance.

NM_014629.4(ARHGEF10):c.2811C>G (p.Tyr937Ter)

Gene: ARHGEF10 (Rho guanine nucleotide exchange factor 10; plus strand). Cytogenetic location: 8p23.3.
Variant type: single nucleotide variant.
Coding change: c.2811C>G on transcript NM_014629.4 (MANE Select); coding-DNA position 2811, C replaced by G.
Protein change: p.Tyr937Ter; replaces tyrosine 937 with a stop codon.
Molecular consequence: nonsense.
Genome position (GRCh38, 1-based): chr8:1,928,540, C>G. VCF-style: chr8-1928540-C-G. GRCh37 (hg19) VCF-style: chr8-1876706-C-G.
Other names: c.2697C>G, p.Tyr899Ter (NM_001308152.2, NM_001438094.1); c.2811C>G, p.Tyr937Ter (NM_001308153.3); c.2814C>G, p.Tyr938Ter (NM_001438091.1); c.2694C>G, p.Tyr898Ter (NM_001438092.1, NM_001438093.1); short protein forms Y937*, Y938*, Y961*, Y898*, Y899*.
Identifiers: ClinVar variation 4779306 (VCV004779306.1).